The following is an entry in ClinVar:

ClinVar aggregate classification (germline): Conflicting classifications of pathogenicity. Review status: criteria provided, conflicting classifications (1 of 4 stars). 4 submissions from 4 submitters: Pathogenic (2); Likely pathogenic (1); Uncertain significance (1). Last evaluated 2025-06-19.

Conditions:
Hemiplegic migraine-developmental and epileptic encephalopathy spectrum. Identifiers: MedGen CN377181, MONDO:0100539.
Familial hemiplegic migraine. Identifiers: MedGen C0338484, MONDO:0000700.

Submissions (4):

Victorian Clinical Genetics Services, Murdoch Childrens Research Institute
Classification: Pathogenic for Hemiplegic migraine-developmental and epileptic encephalopathy spectrum. Last evaluated: 2025-06-19. Review status: criteria provided, single submitter. Criteria: ACMG Guidelines, 2015. Collection method: clinical testing. Allele origin: germline. Affected: yes.
Comment: This variant is classified as Pathogenic. Evidence in support of pathogenic classification: Variant is absent from gnomAD (v2, v3 and v4); This variant has moderate previous evidence of pathogenicity in unrelated individuals. This variant has been classified as pathogenic, likely pathogenic and as a VUS by clinical laboratories in ClinVar. It has also been reported in the literature in a heterozygous state in an individual with familial hemiplegic migraine (FHM) (PMID: 38379707); Another missense variant comparable to the one identified in this case has moderate previous evidence for pathogenicity. The p.(Thr378Asn) variant has been classified as pathogenic or likely pathogenic by clinical laboratories in ClinVar; Missense variant in a region that is highly intolerant to missense variation (high constraint region in DECIPHER); Missense variant predicted to be damaging by in silico tool(s) or highly conserved with a major amino acid change; Additional information: Variant is predicted to result in a missense amino acid change from Thr to Ile; This variant is heterozygous; This gene is associated with both recessive and dominant disease. However, the genotype-phenotype correlation is currently unestablished (PMID: 19455354, 33880529); No published evidence of segregation with disease has been identified for this variant; No published functional evidence has been identified for this variant; Loss of function is a known mechanism of disease in this gene and is associated with autosomal recessive fetal akinesia, respiratory insufficiency, microcephaly, polymicrogyria, and dysmorphic facies (MIM#619602). Functional studies have demonstrated loss of function for variants associated with autosomal dominant alternating hemiplegia of childhood 1 (MIM#104290), familial basilar migraine, (MIM#602481), familial hemiplegic migraine 2 (MIM#602481) and developmental and epileptic encephalopathy 98 (MIM#619605), however, a dominant negative disease mechanism has not been definitively ruled out (PMID: 27445835, 33880529).

CeGaT Center for Human Genetics Tuebingen
Classification: Likely pathogenic. Last evaluated: 2023-11-01. Review status: criteria provided, single submitter. Criteria: CeGaT Center For Human Genetics Tuebingen Variant Classification Criteria Version 2. Collection method: clinical testing. Allele origin: germline. Affected: yes. Observed: 1 variant allele.
Comment: ATP1A2: PM2, PM5, PP3, PS4:Supporting

Labcorp Genetics (formerly Invitae), Labcorp
Classification: Pathogenic for Familial hemiplegic migraine. Last evaluated: 2020-10-08. Review status: criteria provided, single submitter. Criteria: Invitae Variant Classification Sherloc (09022015). Collection method: clinical testing. Allele origin: germline.
Comment: For these reasons, this variant has been classified as Pathogenic. This variant disrupts the p.Thr378 amino acid residue in ATP1A2. Other variant(s) that disrupt this residue have been determined to be pathogenic (PMID: 15174025, 15286158). This suggests that this residue is clinically significant, and that variants that disrupt this residue are likely to be disease-causing. Algorithms developed to predict the effect of missense changes on protein structure and function (SIFT, PolyPhen-2, Align-GVGD) all suggest that this variant is likely to be disruptive, but these predictions have not been confirmed by published functional studies and their clinical significance is uncertain. This variant has been observed in individual(s) with clinical features of ATP1A2-related conditions (Invitae). In at least one individual the variant was observed to be de novo. ClinVar contains an entry for this variant (Variation ID: 392148). This variant is not present in population databases (ExAC no frequency). This sequence change replaces threonine with isoleucine at codon 378 of the ATP1A2 protein (p.Thr378Ile). The threonine residue is highly conserved and there is a moderate physicochemical difference between threonine and isoleucine.

GeneDx
Classification: Uncertain significance. Last evaluated: 2016-12-22. Review status: criteria provided, single submitter. Criteria: GeneDx Variant Classification (06012015). Collection method: clinical testing. Allele origin: germline. Affected: yes.
Comment: A variant of uncertain significance has been identified in the ATP1A2 gene. The T378I variant has not been published as a pathogenic variant, nor has it been reported as a benign variant to our knowledge. The T378I variant is not observed in large population cohorts (Lek et al., 2016; 1000 Genomes Consortium et al., 2015; Exome Variant Server). The T378I variant is a non-conservative amino acid substitution, which is likely to impact secondary protein structure as these residues differ in polarity, charge, size and/or other properties. Additionally, this substitution occurs at a position that is conserved across species, and in silico analysis predicts this variant is probably damaging to the protein structure/function. Furthermore, missense variants at the same position (T378N) and in nearby residues (T376M, R383H) have been reported in the Human Gene Mutation Database in association with familial hemiplegic migraine 2 (FHM2) (Stenson et al., 2014), supporting the functional importance of this region of the protein. Based on the currently available information, it is unclear whether this variant is a pathogenic variant or a rare benign variant.

Literature cited by the submitters: PubMed 27445835 (cited by Victorian Clinical Genetics Services, Murdoch Childrens Research Institute); PubMed 38379707 (cited by Victorian Clinical Genetics Services, Murdoch Childrens Research Institute); PubMed 19455354 (cited by Victorian Clinical Genetics Services, Murdoch Childrens Research Institute); PubMed 33880529 (cited by Victorian Clinical Genetics Services, Murdoch Childrens Research Institute); PubMed 15174025 (cited by Labcorp Genetics (formerly Invitae), Labcorp); PubMed 15286158 (cited by Labcorp Genetics (formerly Invitae), Labcorp).

NM_000702.4(ATP1A2):c.1133C>T (p.Thr378Ile)

Gene: ATP1A2 (ATPase Na+/K+ transporting subunit alpha 2; plus strand). Cytogenetic location: 1q23.2.
Variant type: single nucleotide variant.
Coding change: c.1133C>T on transcript NM_000702.4 (MANE Select); coding-DNA position 1133, C replaced by T.
Protein change: p.Thr378Ile; replaces threonine 378 with isoleucine.
Molecular consequence: missense variant.
Genome position (GRCh38, 1-based): chr1:160,128,767, C>T. VCF-style: chr1-160128767-C-T. GRCh37 (hg19) VCF-style: chr1-160098557-C-T.
Other names: short protein forms T378I.
Identifiers: ClinVar variation 392148 (VCV000392148.33), dbSNP rs28934002, ClinGen allele CA16603441.
Genomic context (GRCh38, chr1:160,128,767, plus strand): 5'-ACCTGGAGGCGGTGGAGACGCTGGGCTCCACGTCCACCATCTGCTCGGACAAGACGGGCA[C>T]CCTCACCCAGAACCGCATGACCGTCGCCCACATGTGGTTCGACAACCAAATCCATGAGGC-3'
Protein context (NP_000693.1, residues 368-388): TSTICSDKTG[Thr378Ile]LTQNRMTVAH